The following is an entry in ClinVar:

NM_013275.6(ANKRD11):c.5984G>A (p.Cys1995Tyr)

Gene: ANKRD11 (ankyrin repeat domain 11; minus strand). Cytogenetic location: 16q24.3.
Variant type: single nucleotide variant.
Coding change: c.5984G>A on transcript NM_013275.6 (MANE Select); coding-DNA position 5984, G replaced by A.
Protein change: p.Cys1995Tyr; replaces cysteine 1995 with tyrosine.
Molecular consequence: missense variant.
Genome position (GRCh38, 1-based): chr16:89,280,558, C>T on the plus strand (G>A on the coding strand, the complement: ANKRD11 is on the minus strand). VCF-style: chr16-89280558-C-T. GRCh37 (hg19) VCF-style: chr16-89346966-C-T.
Other names: c.5984G>A, p.Cys1995Tyr (NM_001256182.2, NM_001256183.2); short protein forms C1995Y.
Identifiers: ClinVar variation 4706281 (VCV004706281.1).

ClinVar aggregate classification (germline): Uncertain significance (1 of 4 stars; one submission).

Conditions:
KBG syndrome (KBGS). Also called: ANKRD11-Related KBG Syndrome. Identifiers: Orphanet 2332, MedGen C0220687, MONDO:0007846, OMIM 148050.

Submission:

Labcorp Genetics (formerly Invitae), Labcorp
Classification: Uncertain significance for KBG syndrome. Last evaluated: 2025-05-14. Review status: criteria provided, single submitter. Criteria: Invitae Variant Classification Sherloc (09022015). Collection method: clinical testing. Allele origin: germline.
Comment: This sequence change replaces cysteine, which is neutral and slightly polar, with tyrosine, which is neutral and polar, at codon 1995 of the ANKRD11 protein (p.Cys1995Tyr). This variant is not present in population databases (gnomAD no frequency). This variant has not been reported in the literature in individuals affected with ANKRD11-related conditions. Invitae Evidence Modeling of protein sequence and biophysical properties (such as structural, functional, and spatial information, amino acid conservation, physicochemical variation, residue mobility, and thermodynamic stability) indicates that this missense variant is not expected to disrupt ANKRD11 protein function with a negative predictive value of 95%. In summary, the available evidence is currently insufficient to determine the role of this variant in disease. Therefore, it has been classified as a Variant of Uncertain Significance.